The following is an entry in ClinVar:

NM_015559.3(SETBP1):c.1360A>G (p.Asn454Asp)

Gene: SETBP1 (SET binding protein 1; plus strand). Cytogenetic location: 18q12.3.
Variant type: single nucleotide variant.
Coding change: c.1360A>G on transcript NM_015559.3 (MANE Select); coding-DNA position 1360, A replaced by G.
Protein change: p.Asn454Asp; replaces asparagine 454 with aspartic acid.
Molecular consequence: missense variant.
Genome position (GRCh38, 1-based): chr18:44,950,700, A>G. VCF-style: chr18-44950700-A-G. GRCh37 (hg19) VCF-style: chr18-42530665-A-G.
Other names: c.1360A>G, p.Asn454Asp (NM_001379141.1, NM_001379142.1); c.1360A>G (NM_015559.2); short protein forms N454D.
Identifiers: ClinVar variation 1395219 (VCV001395219.7), dbSNP rs754292247, ClinGen allele CA8945602.

ClinVar aggregate classification (germline): Uncertain significance. Review status: criteria provided, multiple submitters, no conflicts (2 of 4 stars). 2 submissions from 2 submitters: Uncertain significance (2). Last evaluated 2025-07-01.

Conditions:
Inborn genetic diseases. Identifiers: MedGen C0950123, MeSH D030342.

Allele frequency attached by ClinVar (database versions not stated): gnomAD 0.00001; gnomAD exomes 0.00001; TOPMed 0.00001; ExAC 0.00002.
gnomAD v4.1: 23 of 1,614,068 alleles (0.0014%); highest among the groups gnomAD compares: Non-Finnish European, 0.0017%; no homozygotes.

Submissions (2):

Ambry Genetics
Classification: Uncertain significance for Inborn genetic diseases. Last evaluated: 2025-07-01. Review status: criteria provided, single submitter. Criteria: Ambry Variant Classification Scheme 2023. Collection method: clinical testing. Allele origin: germline.

Labcorp Genetics (formerly Invitae), Labcorp
Classification: Uncertain significance. Last evaluated: 2025-03-17. Review status: criteria provided, single submitter. Criteria: Invitae Variant Classification Sherloc (09022015). Collection method: clinical testing. Allele origin: germline.
Comment: This sequence change replaces asparagine, which is neutral and polar, with aspartic acid, which is acidic and polar, at codon 454 of the SETBP1 protein (p.Asn454Asp). This variant is present in population databases (rs754292247, gnomAD 0.003%). This variant has not been reported in the literature in individuals affected with SETBP1-related conditions. ClinVar contains an entry for this variant (Variation ID: 1395219). Invitae Evidence Modeling of protein sequence and biophysical properties (such as structural, functional, and spatial information, amino acid conservation, physicochemical variation, residue mobility, and thermodynamic stability) indicates that this missense variant is not expected to disrupt SETBP1 protein function with a negative predictive value of 80%. In summary, the available evidence is currently insufficient to determine the role of this variant in disease. Therefore, it has been classified as a Variant of Uncertain Significance.